The following is an entry in ClinVar:

ClinVar aggregate classification (germline): Uncertain significance (1 of 4 stars; one submission).

Submission:

Labcorp Genetics (formerly Invitae), Labcorp
Classification: Uncertain significance. Last evaluated: 2024-11-28. Review status: criteria provided, single submitter. Criteria: Invitae Variant Classification Sherloc (09022015). Collection method: clinical testing. Allele origin: germline.
Comment: This sequence change replaces threonine, which is neutral and polar, with serine, which is neutral and polar, at codon 5 of the PHEX protein (p.Thr5Ser). This variant is not present in population databases (gnomAD no frequency). This variant has not been reported in the literature in individuals affected with PHEX-related conditions. Invitae Evidence Modeling of protein sequence and biophysical properties (such as structural, functional, and spatial information, amino acid conservation, physicochemical variation, residue mobility, and thermodynamic stability) indicates that this missense variant is not expected to disrupt PHEX protein function with a negative predictive value of 95%. In summary, the available evidence is currently insufficient to determine the role of this variant in disease. Therefore, it has been classified as a Variant of Uncertain Significance.

NM_000444.6(PHEX):c.13A>T (p.Thr5Ser)

Gene: PHEX (phosphate regulating endopeptidase X-linked; plus strand). Cytogenetic location: Xp22.11.
Variant type: single nucleotide variant.
Coding change: c.13A>T on transcript NM_000444.6 (MANE Select); coding-DNA position 13, A replaced by T.
Protein change: p.Thr5Ser; replaces threonine 5 with serine.
Molecular consequence: missense variant.
Genome position (GRCh38, 1-based): chrX:22,033,018, A>T. VCF-style: chrX-22033018-A-T. GRCh37 (hg19) VCF-style: chrX-22051136-A-T.
Other names: c.13A>T, p.Thr5Ser (NM_001282754.2); short protein forms T5S.
Identifiers: ClinVar variation 3634785 (VCV003634785.2).